The following is an entry in ClinVar:

NM_000245.4(MET):c.2169A>G (p.Lys723=)

Gene: MET (MET proto-oncogene, receptor tyrosine kinase; plus strand). Cytogenetic location: 7q31.2.
Variant type: single nucleotide variant.
Coding change: c.2169A>G on transcript NM_000245.4 (MANE Select); coding-DNA position 2169, A replaced by G.
Protein change: p.Lys723=; no amino-acid change (lysine 723 retained).
Molecular consequence: synonymous variant.
Genome position (GRCh38, 1-based): chr7:116,758,525, A>G. VCF-style: chr7-116758525-A-G. GRCh37 (hg19) VCF-style: chr7-116398579-A-G.
Other names: c.2169A>G (NM_001127500.2); c.2169A>G, p.Lys723= (NM_001127500.3, NM_001324401.3); c.879A>G, p.Lys293= (NM_001324402.2).
Identifiers: ClinVar variation 2151798 (VCV002151798.9), dbSNP rs2485720403, ClinGen allele CA457216710.

ClinVar aggregate classification (germline): Benign/Likely benign. Review status: criteria provided, multiple submitters, no conflicts (2 of 4 stars). 4 submissions from 4 submitters: Benign (1); Likely benign (2). 1 of the submissions does not count toward it. Last evaluated 2025-09-20.

Conditions:
Hereditary cancer-predisposing syndrome. Also called: Neoplastic Syndromes, Hereditary; Hereditary Cancer Syndrome; Tumor predisposition; Hereditary neoplastic syndrome. Identifiers: Orphanet 140162, MedGen C0027672, MeSH D009386, MONDO:0015356.
MET-related disorder. Also called: MET-related condition.
Renal cell carcinoma. Identifiers: Orphanet 217071, MedGen C0007134, MeSH D002292, MONDO:0005086, HP:0005584.
Papillary renal cell carcinoma type 1 (RCCP1). Also called: RENAL CELL CARCINOMA, PAPILLARY, 1, SOMATIC; Renal adenocarcinoma; Renal cell carcinoma 1; Renal cell carcinoma, somatic. Identifiers: Orphanet 47044, MedGen C1336839, OMIM 605074, HP:0011797.

Submissions (4):

Labcorp Genetics (formerly Invitae), Labcorp
Classification: Likely benign for Renal cell carcinoma. Last evaluated: 2025-09-20. Review status: criteria provided, single submitter. Criteria: Invitae Variant Classification Sherloc (09022015). Collection method: clinical testing. Allele origin: germline.

Myriad Genetics, Inc.
Classification: Benign for Papillary renal cell carcinoma type 1. Last evaluated: 2024-11-08. Review status: criteria provided, single submitter. Criteria: Myriad Autosomal Dominant, Autosomal Recessive and X-Linked Classification Criteria (2023). Collection method: clinical testing. Allele origin: unknown.
Comment: This variant is considered benign. This variant is a silent/synonymous amino acid change and it is not expected to impact splicing.

Ambry Genetics
Classification: Likely benign for Hereditary cancer-predisposing syndrome. Last evaluated: 2023-04-07. Review status: criteria provided, single submitter. Criteria: Ambry Variant Classification Scheme 2023. Collection method: clinical testing. Allele origin: germline.

PreventionGenetics, part of Exact Sciences
Classification: Likely benign for MET-related condition. Last evaluated: 2021-01-22. Review status: no assertion criteria provided. Collection method: clinical testing. Allele origin: germline. Not counted in ClinVar's aggregate classification.
Comment: This variant is classified as likely benign based on ACMG/AMP sequence variant interpretation guidelines (Richards et al. 2015 PMID: 25741868, with internal and published modifications).